The following is an entry in ClinVar:

NM_006206.6(PDGFRA):c.1780G>C (p.Val594Leu)

Gene: PDGFRA (platelet derived growth factor receptor alpha; plus strand). Cytogenetic location: 4q12.
Variant type: single nucleotide variant.
Coding change: c.1780G>C on transcript NM_006206.6 (MANE Select); coding-DNA position 1780, G replaced by C.
Protein change: p.Val594Leu; replaces valine 594 with leucine.
Molecular consequence: missense variant.
Genome position (GRCh38, 1-based): chr4:54,274,967, G>C. VCF-style: chr4-54274967-G-C. GRCh37 (hg19) VCF-style: chr4-55141134-G-C.
Other names: c.1780G>C, p.Val594Leu (NM_001347827.2, NM_001347829.2); c.1855G>C, p.Val619Leu (NM_001347828.2); c.1819G>C, p.Val607Leu (NM_001347830.2); c.1780G>C (NM_006206.4); short protein forms V607L, V619L, V594L.
Identifiers: ClinVar variation 1413496 (VCV001413496.9), dbSNP rs2110300821, ClinGen allele CA356893300.

ClinVar aggregate classification (germline): Uncertain significance. Review status: criteria provided, multiple submitters, no conflicts (2 of 4 stars). 3 submissions from 3 submitters: Uncertain significance (3). Last evaluated 2024-02-19.

Conditions:
Hereditary cancer-predisposing syndrome. Also called: Tumor predisposition; Hereditary Cancer Syndrome; Hereditary neoplastic syndrome; Neoplastic Syndromes, Hereditary. Identifiers: Orphanet 140162, MedGen C0027672, MeSH D009386, MONDO:0015356.
Polyps, multiple and recurrent inflammatory fibroid, gastrointestinal. Identifiers: MedGen C5193005, MONDO:0008285, OMIM 175510.
Gastrointestinal stromal tumor. Also called: Gastrointestinal stroma tumor; Gastrointestinal stromal tumor, somatic. Identifiers: Orphanet 44890, MedGen C0238198, MeSH D046152, MONDO:0011719, OMIM 606764, HP:0100723.

Allele frequency attached by ClinVar (database versions not stated): gnomAD exomes below 0.00001.
gnomAD v4.1: 5 of 1,614,112 alleles (0.00031%); highest among the groups gnomAD compares: South Asian, 0.0022%; no homozygotes.

Submissions (3):

Baylor Genetics
Classification: Uncertain significance for Polyps, multiple and recurrent inflammatory fibroid, gastrointestinal. Last evaluated: 2024-02-19. Review status: criteria provided, single submitter. Criteria: ACMG Guidelines, 2015. Collection method: clinical testing. Allele origin: unknown.

Ambry Genetics
Classification: Uncertain significance for Hereditary cancer-predisposing syndrome. Last evaluated: 2023-02-16. Review status: criteria provided, single submitter. Criteria: Ambry Variant Classification Scheme 2023. Collection method: clinical testing. Allele origin: germline.
Comment: The p.V594L variant (also known as c.1780G>C), located in coding exon 11 of the PDGFRA gene, results from a G to C substitution at nucleotide position 1780. The valine at codon 594 is replaced by leucine, an amino acid with highly similar properties. This amino acid position is conserved. In addition, the in silico prediction for this alteration is inconclusive. Since supporting evidence is limited at this time, the clinical significance of this alteration remains unclear.

Labcorp Genetics (formerly Invitae), Labcorp
Classification: Uncertain significance for Gastrointestinal stromal tumor. Last evaluated: 2021-10-09. Review status: criteria provided, single submitter. Criteria: Invitae Variant Classification Sherloc (09022015). Collection method: clinical testing. Allele origin: germline.
Comment: In summary, the available evidence is currently insufficient to determine the role of this variant in disease. Therefore, it has been classified as a Variant of Uncertain Significance. Algorithms developed to predict the effect of missense changes on protein structure and function are either unavailable or do not agree on the potential impact of this missense change (SIFT: "Tolerated"; PolyPhen-2: "Probably Damaging"; Align-GVGD: "Class C0"). This variant has not been reported in the literature in individuals affected with PDGFRA-related conditions. This variant is not present in population databases (ExAC no frequency). This sequence change replaces valine with leucine at codon 594 of the PDGFRA protein (p.Val594Leu). The valine residue is highly conserved and there is a small physicochemical difference between valine and leucine.